The following is an entry in ClinVar:

ClinVar aggregate classification (germline): Conflicting classifications of pathogenicity. Review status: criteria provided, conflicting classifications (1 of 4 stars). 6 submissions from 6 submitters: Uncertain significance (5); Benign (1). Last evaluated 2025-10-22.

Conditions:
Cardiovascular phenotype. Identifiers: MedGen CN230736.
Brittle cornea syndrome 1 (BCS1). Also called: FRAGILITAS OCULI WITH JOINT HYPEREXTENSIBILITY; Corneal fragility keratoglobus, blue sclerae AND joint hypermobility; DYSGENESIS MESODERMALIS CORNEAE ET SCLERAE; CORNEAL FRAGILITY, KERATOGLOBUS, BLUE SCLERAE, JOINT HYPEREXTENSIBILITY; EDS6B. Identifiers: Orphanet 90354, MedGen C0268344, MONDO:0024543, OMIM 229200.

Allele frequency attached by ClinVar (database versions not stated): ExAC below 0.00001; gnomAD exomes 0.00002 and 0.00009; TOPMed 0.00010.
gnomAD v4.1: 44 of 1,535,818 alleles (0.0029%); highest among the groups gnomAD compares: Admixed American, 0.036%; no homozygotes.

Submissions (6):

Women's Health and Genetics/Laboratory Corporation of America, LabCorp
Classification: Uncertain significance. Last evaluated: 2025-10-22. Review status: criteria provided, single submitter. Criteria: LabCorp Variant Classification Summary - May 2015. Collection method: clinical testing. Allele origin: germline.
Comment: Variant summary: ZNF469 c.3452C>T (p.Ala1151Val) results in a non-conservative amino acid change in the encoded protein sequence. Algorithms developed to predict the effect of missense changes on protein structure and function are either unavailable or do not agree on the potential impact of this missense change. The variant allele was found at a frequency of 8.9e-05 in 134370 control chromosomes. This frequency is not significantly higher than estimated for disease-causing variants in ZNF469, allowing no conclusion about variant significance. To our knowledge, no occurrence of c.3452C>T in individuals affected with ZNF469-related conditions and no experimental evidence demonstrating its impact on protein function have been reported. ClinVar contains an entry for this variant (Variation ID: 426116). Based on the evidence outlined above, the variant was classified as uncertain significance.

GeneDx
Classification: Uncertain significance. Last evaluated: 2025-03-05. Review status: criteria provided, single submitter. Criteria: GeneDx Variant Classification Process June 2021. Collection method: clinical testing. Allele origin: germline. Affected: yes.
Comment: In silico analysis indicates that this missense variant does not alter protein structure/function; Has not been previously published as pathogenic or benign to our knowledge

Ambry Genetics
Classification: Benign for Cardiovascular phenotype. Last evaluated: 2024-07-03. Review status: criteria provided, single submitter. Criteria: Ambry Variant Classification Scheme 2023. Collection method: clinical testing. Allele origin: germline.

Labcorp Genetics (formerly Invitae), Labcorp
Classification: Uncertain significance. Last evaluated: 2022-09-28. Review status: criteria provided, single submitter. Criteria: Invitae Variant Classification Sherloc (09022015). Collection method: clinical testing. Allele origin: germline.
Comment: This sequence change replaces alanine, which is neutral and non-polar, with valine, which is neutral and non-polar, at codon 1123 of the ZNF469 protein (p.Ala1123Val). This variant is present in population databases (rs755348435, gnomAD 0.03%). This variant has not been reported in the literature in individuals affected with ZNF469-related conditions. ClinVar contains an entry for this variant (Variation ID: 426116). Algorithms developed to predict the effect of missense changes on protein structure and function output the following: SIFT: "Tolerated"; PolyPhen-2: "Benign"; Align-GVGD: "Class C0". The valine amino acid residue is found in multiple mammalian species, which suggests that this missense change does not adversely affect protein function. In summary, the available evidence is currently insufficient to determine the role of this variant in disease. Therefore, it has been classified as a Variant of Uncertain Significance.

Fulgent Genetics
Classification: Uncertain significance for Brittle cornea syndrome 1. Last evaluated: 2021-11-01. Review status: criteria provided, single submitter. Criteria: ACMG Guidelines, 2015. Collection method: clinical testing. Allele origin: unknown.

Department of Pathology and Laboratory Medicine, Sinai Health System
Classification: Uncertain significance for Brittle cornea syndrome 1. Last evaluated: 2021-09-11. Review status: criteria provided, single submitter. Criteria: ACMG Guidelines, 2015. Collection method: research. Allele origin: germline.

NM_001367624.2(ZNF469):c.3452C>T (p.Ala1151Val)

Gene: ZNF469 (zinc finger protein 469; plus strand). Cytogenetic location: 16q24.2.
Variant type: single nucleotide variant.
Coding change: c.3452C>T on transcript NM_001367624.2 (MANE Select); coding-DNA position 3452, C replaced by T.
Protein change: p.Ala1151Val; replaces alanine 1151 with valine.
Molecular consequence: missense variant.
Genome position (GRCh38, 1-based): chr16:88,430,922, C>T. VCF-style: chr16-88430922-C-T. GRCh37 (hg19) VCF-style: chr16-88497330-C-T.
Other names: NM_001127464.1:c.3368C>T; short protein forms A1151V.
Identifiers: ClinVar variation 426116 (VCV000426116.14), dbSNP rs755348435, ClinGen allele CA8224854.